The following is an entry in ClinVar:

ClinVar aggregate classification (germline): Uncertain significance (1 of 4 stars; one submission).

Submission:

Labcorp Genetics (formerly Invitae), Labcorp
Classification: Uncertain significance. Last evaluated: 2024-09-04. Review status: criteria provided, single submitter. Criteria: Invitae Variant Classification Sherloc (09022015). Collection method: clinical testing. Allele origin: germline.
Comment: This sequence change replaces glutamic acid, which is acidic and polar, with lysine, which is basic and polar, at codon 41 of the PQBP1 protein (p.Glu41Lys). The frequency data for this variant in the population databases is considered unreliable, as metrics indicate poor data quality at this position in the gnomAD database. This variant has not been reported in the literature in individuals affected with PQBP1-related conditions. An algorithm developed to predict the effect of missense changes on protein structure and function (PolyPhen-2) suggests that this variant is likely to be disruptive. In summary, the available evidence is currently insufficient to determine the role of this variant in disease. Therefore, it has been classified as a Variant of Uncertain Significance.

NM_001032382.2(PQBP1):c.121G>A (p.Glu41Lys)

Gene: PQBP1 (polyglutamine binding protein 1; plus strand). Cytogenetic location: Xp11.23.
Variant type: single nucleotide variant.
Coding change: c.121G>A on transcript NM_001032382.2 (MANE Select); coding-DNA position 121, G replaced by A.
Protein change: p.Glu41Lys; replaces glutamic acid 41 with lysine.
Molecular consequence: missense variant.
Genome position (GRCh38, 1-based): chrX:48,901,243, G>A. VCF-style: chrX-48901243-G-A. GRCh37 (hg19) VCF-style: chrX-48758520-G-A.
Other names: c.121G>A, p.Glu41Lys (NM_001032381.2, NM_001032383.2, NM_001032384.1 and 5 more transcripts); short protein forms E41K.
Identifiers: ClinVar variation 3660464 (VCV003660464.2).